The following is an entry in ClinVar:

NM_015557.3(CHD5):c.452C>T (p.Ser151Leu)

Gene: CHD5 (chromodomain helicase DNA binding protein 5; minus strand). Cytogenetic location: 1p36.31.
Variant type: single nucleotide variant.
Coding change: c.452C>T on transcript NM_015557.3 (MANE Select); coding-DNA position 452, C replaced by T.
Protein change: p.Ser151Leu; replaces serine 151 with leucine.
Molecular consequence: missense variant.
Genome position (GRCh38, 1-based): chr1:6,155,653, G>A on the plus strand (C>T on the coding strand, the complement: CHD5 is on the minus strand). VCF-style: chr1-6155653-G-A. GRCh37 (hg19) VCF-style: chr1-6215713-G-A.
Other names: c.452C>T (NM_015557.2); short protein forms S151L.
Identifiers: ClinVar variation 3025017 (VCV003025017.23), dbSNP rs150062924, ClinGen allele CA557357.

ClinVar aggregate classification (germline): Likely benign. Review status: criteria provided, single submitter (1 of 4 stars). 2 submissions from 2 submitters: Likely benign (1). 1 of the submissions does not count toward it. Last evaluated 2024-01-01.

Conditions:
CHD5-related disorder. Also called: CHD5-related condition.

Allele frequency attached by ClinVar (database versions not stated): 1000 Genomes Project 30x 0.00078; 1000 Genomes Project 0.00100; ExAC 0.00134; TOPMed 0.00134; ESP Exome Variant Server 0.00138; gnomAD 0.00155.
gnomAD v4.1: 2,621 of 1,614,088 alleles (0.16%); highest among the groups gnomAD compares: Middle Eastern, 0.61%; 3 homozygotes.

Submissions (2):

CeGaT Center for Human Genetics Tuebingen
Classification: Likely benign. Last evaluated: 2024-01-01. Review status: criteria provided, single submitter. Criteria: CeGaT Center For Human Genetics Tuebingen Variant Classification Criteria Version 2. Collection method: clinical testing. Allele origin: germline. Affected: yes. Observed: 1 variant allele.
Comment: CHD5: BS1

PreventionGenetics, part of Exact Sciences
Classification: Likely benign for CHD5-related condition. Last evaluated: 2022-05-09. Review status: no assertion criteria provided. Collection method: clinical testing. Allele origin: germline. Not counted in ClinVar's aggregate classification.
Comment: This variant is classified as likely benign based on ACMG/AMP sequence variant interpretation guidelines (Richards et al. 2015 PMID: 25741868, with internal and published modifications).